The following is an entry in ClinVar:

NM_004168.4(SDHA):c.412G>T (p.Ala138Ser)

Gene: SDHA (succinate dehydrogenase complex flavoprotein subunit A; plus strand). Cytogenetic location: 5p15.33.
Variant type: single nucleotide variant.
Coding change: c.412G>T on transcript NM_004168.4 (MANE Select); coding-DNA position 412, G replaced by T.
Protein change: p.Ala138Ser; replaces alanine 138 with serine.
Molecular consequence: missense variant. On other transcripts: intron variant (1).
Genome position (GRCh38, 1-based): chr5:225,518, G>T. VCF-style: chr5-225518-G-T. GRCh37 (hg19) VCF-style: chr5-225633-G-T.
Other names: c.412G>T, p.Ala138Ser (NM_001330758.2); c.313-365G>T (NM_001294332.2); short protein forms A138S.
Identifiers: ClinVar variation 2934055 (VCV002934055.3), dbSNP rs2126547402, ClinGen allele CA359009546.
Genomic context (GRCh38, chr5:225,518, plus strand): 5'-AACTGGAGGTGGCATTTCTACGACACCGTGAAGGGCTCCGACTGGCTGGGGGACCAGGAT[G>T]CCATCCACTACATGACGGAGCAGGCCCCCGCCGCCGTGGTCGAGGTGATGGGCGGGAGGC-3'
Protein context (NP_004159.2, residues 128-148): KGSDWLGDQD[Ala138Ser]IHYMTEQAPA

ClinVar aggregate classification (germline): Uncertain significance (1 of 4 stars; one submission).

Conditions:
Mitochondrial complex II deficiency, nuclear type 1. Also called: SUCCINATE CoQ REDUCTASE DEFICIENCY. Identifiers: Orphanet 3208, MedGen C5700310, MONDO:0100294, OMIM 252011.
Pheochromocytoma/paraganglioma syndrome 5. Also called: Paragangliomas 5; SDHA-Related Hereditary Paraganglioma-Pheochromocytoma Syndrome. Identifiers: Orphanet 29072, MedGen C3279992, MONDO:0013602, OMIM 614165.

Submission:

Labcorp Genetics (formerly Invitae), Labcorp
Classification: Uncertain significance for Pheochromocytoma/paraganglioma syndrome 5; Mitochondrial complex II deficiency, nuclear type 1. Last evaluated: 2023-03-26. Review status: criteria provided, single submitter. Criteria: Invitae Variant Classification Sherloc (09022015). Collection method: clinical testing. Allele origin: germline.
Comment: In summary, the available evidence is currently insufficient to determine the role of this variant in disease. Therefore, it has been classified as a Variant of Uncertain Significance. Advanced modeling of protein sequence and biophysical properties (such as structural, functional, and spatial information, amino acid conservation, physicochemical variation, residue mobility, and thermodynamic stability) performed at Invitae indicates that this missense variant is not expected to disrupt SDHA protein function. This variant has not been reported in the literature in individuals affected with SDHA-related conditions. This variant is not present in population databases (gnomAD no frequency). This sequence change replaces alanine, which is neutral and non-polar, with serine, which is neutral and polar, at codon 138 of the SDHA protein (p.Ala138Ser).